The following is an entry in ClinVar:

NM_006277.3(ITSN2):c.2527A>G (p.Thr843Ala)

Gene: ITSN2 (intersectin 2; minus strand). Cytogenetic location: 2p23.3.
Variant type: single nucleotide variant.
Coding change: c.2527A>G on transcript NM_006277.3 (MANE Select); coding-DNA position 2527, A replaced by G.
Protein change: p.Thr843Ala; replaces threonine 843 with alanine.
Molecular consequence: missense variant.
Genome position (GRCh38, 1-based): chr2:24,261,571, T>C on the plus strand (A>G on the coding strand, the complement: ITSN2 is on the minus strand). VCF-style: chr2-24261571-T-C. GRCh37 (hg19) VCF-style: chr2-24484440-T-C.
Other names: c.2485A>G, p.Thr829Ala (NM_001348181.2); c.2407A>G, p.Thr803Ala (NM_001348182.2, NM_001348186.2); c.2446A>G, p.Thr816Ala (NM_001348183.2, NM_019595.4); c.2404A>G, p.Thr802Ala (NM_001348184.2); c.2488A>G, p.Thr830Ala (NM_001348185.2); c.2527A>G, p.Thr843Ala (NM_147152.3); short protein forms T830A, T816A, T802A, T843A, T803A, T829A.
Identifiers: ClinVar variation 4779552 (VCV004779552.1).

ClinVar aggregate classification (germline): Uncertain significance (1 of 4 stars; one submission).

gnomAD v4.1: 4 of 1,610,860 alleles (0.00025%); highest among the groups gnomAD compares: African/African-American, 0.0013%; no homozygotes.

Submission:

Labcorp Genetics (formerly Invitae), Labcorp
Classification: Uncertain significance. Last evaluated: 2025-06-12. Review status: criteria provided, single submitter. Criteria: Invitae Variant Classification Sherloc (09022015). Collection method: clinical testing. Allele origin: germline.
Comment: This sequence change replaces threonine, which is neutral and polar, with alanine, which is neutral and non-polar, at codon 843 of the ITSN2 protein (p.Thr843Ala). This variant is present in population databases (rs146540075, gnomAD 0.007%). This variant has not been reported in the literature in individuals affected with ITSN2-related conditions. An algorithm developed to predict the effect of missense changes on protein structure and function outputs the following: PolyPhen-2: "Not Available". The alanine amino acid residue is found in multiple mammalian species, which suggests that this missense change does not adversely affect protein function. In summary, the available evidence is currently insufficient to determine the role of this variant in disease. Therefore, it has been classified as a Variant of Uncertain Significance.